The following is an entry in ClinVar:

NM_000440.3(PDE6A):c.1588A>G (p.Lys530Glu)

Gene: PDE6A (phosphodiesterase 6A; minus strand). Cytogenetic location: 5q32.
Variant type: single nucleotide variant.
Coding change: c.1588A>G on transcript NM_000440.3 (MANE Select); coding-DNA position 1588, A replaced by G.
Protein change: p.Lys530Glu; replaces lysine 530 with glutamic acid.
Molecular consequence: missense variant.
Genome position (GRCh38, 1-based): chr5:149,896,388, T>C on the plus strand (A>G on the coding strand, the complement: PDE6A is on the minus strand). VCF-style: chr5-149896388-T-C. GRCh37 (hg19) VCF-style: chr5-149275951-T-C.
Other names: c.1345A>G, p.Lys449Glu (NM_001410788.1); short protein forms K449E, K530E.
Identifiers: ClinVar variation 1923755 (VCV001923755.5), dbSNP rs944916073, ClinGen allele CA129068055.

ClinVar aggregate classification (germline): Uncertain significance (1 of 4 stars; one submission).

Allele frequency attached by ClinVar (database versions not stated): gnomAD exomes below 0.00001.
gnomAD v4.1: 4 of 1,614,116 alleles (0.00025%); highest among the groups gnomAD compares: Non-Finnish European, 0.00034%; no homozygotes.

Submission:

Labcorp Genetics (formerly Invitae), Labcorp
Classification: Uncertain significance. Last evaluated: 2023-08-04. Review status: criteria provided, single submitter. Criteria: Invitae Variant Classification Sherloc (09022015). Collection method: clinical testing. Allele origin: germline.
Comment: In summary, the available evidence is currently insufficient to determine the role of this variant in disease. Therefore, it has been classified as a Variant of Uncertain Significance. Advanced modeling of protein sequence and biophysical properties (such as structural, functional, and spatial information, amino acid conservation, physicochemical variation, residue mobility, and thermodynamic stability) performed at Invitae indicates that this missense variant is not expected to disrupt PDE6A protein function. ClinVar contains an entry for this variant (Variation ID: 1923755). This variant has not been reported in the literature in individuals affected with PDE6A-related conditions. This variant is not present in population databases (gnomAD no frequency). This sequence change replaces lysine, which is basic and polar, with glutamic acid, which is acidic and polar, at codon 530 of the PDE6A protein (p.Lys530Glu).